The following is an entry in ClinVar:

ClinVar aggregate classification (germline): Uncertain significance (1 of 4 stars; one submission).

Submission:

Labcorp Genetics (formerly Invitae), Labcorp
Classification: Uncertain significance. Last evaluated: 2023-02-10. Review status: criteria provided, single submitter. Criteria: Invitae Variant Classification Sherloc (09022015). Collection method: clinical testing. Allele origin: germline.
Comment: In summary, the available evidence is currently insufficient to determine the role of this variant in disease. Therefore, it has been classified as a Variant of Uncertain Significance. Advanced modeling of protein sequence and biophysical properties (such as structural, functional, and spatial information, amino acid conservation, physicochemical variation, residue mobility, and thermodynamic stability) performed at Invitae indicates that this missense variant is not expected to disrupt P4HB protein function. This sequence change replaces lysine, which is basic and polar, with glutamic acid, which is acidic and polar, at codon 195 of the P4HB protein (p.Lys195Glu). This variant is not present in population databases (gnomAD no frequency). This variant has not been reported in the literature in individuals affected with P4HB-related conditions.

NM_000918.4(P4HB):c.583A>G (p.Lys195Glu)

Gene: P4HB (prolyl 4-hydroxylase subunit beta; minus strand). Cytogenetic location: 17q25.3.
Variant type: single nucleotide variant.
Coding change: c.583A>G on transcript NM_000918.4 (MANE Select); coding-DNA position 583, A replaced by G.
Protein change: p.Lys195Glu; replaces lysine 195 with glutamic acid.
Molecular consequence: missense variant.
Genome position (GRCh38, 1-based): chr17:81,855,183, T>C on the plus strand (A>G on the coding strand, the complement: P4HB is on the minus strand). VCF-style: chr17-81855183-T-C. GRCh37 (hg19) VCF-style: chr17-79813059-T-C.
Other names: short protein forms K195E.
Identifiers: ClinVar variation 2974806 (VCV002974806.3), dbSNP rs2509957992, ClinGen allele CA401514901.